The following is an entry in ClinVar:

ClinVar aggregate classification (germline): Uncertain significance (1 of 4 stars; one submission).

Conditions:
Hyperphosphatasia with intellectual disability syndrome 5 (GPIBD11). Also called: GLYCOSYLPHOSPHATIDYLINOSITOL BIOSYNTHESIS DEFECT 11. Identifiers: Orphanet 247262, MedGen C4014958, MONDO:0014457, OMIM 616025.

Allele frequency attached by ClinVar (database versions not stated): ExAC 0.00001.
gnomAD v4.1: 18 of 1,613,286 alleles (0.0011%); highest among the groups gnomAD compares: Non-Finnish European, 0.0014%; no homozygotes.

Submission:

Labcorp Genetics (formerly Invitae), Labcorp
Classification: Uncertain significance for Hyperphosphatasia with intellectual disability syndrome 5. Last evaluated: 2022-08-21. Review status: criteria provided, single submitter. Criteria: Invitae Variant Classification Sherloc (09022015). Collection method: clinical testing. Allele origin: germline.
Comment: This sequence change replaces glycine, which is neutral and non-polar, with aspartic acid, which is acidic and polar, at codon 391 of the PIGW protein (p.Gly391Asp). This variant is present in population databases (rs753063413, gnomAD 0.0009%). This variant has not been reported in the literature in individuals affected with PIGW-related conditions. Algorithms developed to predict the effect of missense changes on protein structure and function (SIFT, PolyPhen-2, Align-GVGD) all suggest that this variant is likely to be tolerated. In summary, the available evidence is currently insufficient to determine the role of this variant in disease. Therefore, it has been classified as a Variant of Uncertain Significance.

NM_001346754.2(PIGW):c.1172G>A (p.Gly391Asp)

Genes: MYO19 (myosin XIX; minus strand), PIGW (phosphatidylinositol glycan anchor biosynthesis class W; plus strand). Cytogenetic location: 17q12.
Variant type: single nucleotide variant.
Coding change: c.1172G>A on transcript NM_001346754.2 (MANE Select); coding-DNA position 1172, G replaced by A.
Protein change: p.Gly391Asp; replaces glycine 391 with aspartic acid.
Molecular consequence: missense variant.
Genome position (GRCh38, 1-based): chr17:36,538,273, G>A. VCF-style: chr17-36538273-G-A. GRCh37 (hg19) VCF-style: chr17-34894122-G-A.
Other names: c.1172G>A, p.Gly391Asp (NM_001346755.2, NM_178517.5); short protein forms G391D.
Identifiers: ClinVar variation 2162063 (VCV002162063.1), dbSNP rs753063413, ClinGen allele CA290116632.
Genomic context (GRCh38, chr17:36,538,273, plus strand): 5'-TAGCCTTTTGTATTTGGATAGTTGCTTCTAGCCTGATCCTTCTTAGTAGTTTATTACTGG[G>A]TGATATAATTTTGAGTTTTGCCAAATTTCTAATTAAAGGAGCTCTAGTACCATGTTCTTG-3'
Protein context (NP_001333683.1, residues 381-401): SLILLSSLLL[Gly391Asp]DIILSFAKFL